The following is an entry in ClinVar:

ClinVar aggregate classification (germline): Uncertain significance. Review status: criteria provided, multiple submitters, no conflicts (2 of 4 stars). 2 submissions from 2 submitters: Uncertain significance (2). Last evaluated 2023-10-24.

Conditions:
DICER1-related tumor predisposition. Also called: DICER1-related pleuropulmonary blastoma cancer predisposition syndrome; DICER1 syndrome. Identifiers: Orphanet 284343, MedGen C3839822, MONDO:0100216.
Hereditary cancer-predisposing syndrome. Also called: Tumor predisposition; Neoplastic Syndromes, Hereditary; Hereditary Cancer Syndrome; Hereditary neoplastic syndrome. Identifiers: Orphanet 140162, MedGen C0027672, MeSH D009386, MONDO:0015356.

Allele frequency attached by ClinVar (database versions not stated): gnomAD exomes below 0.00001 and 0.00001; ExAC 0.00001; gnomAD 0.00001.
gnomAD v4.1: 4 of 1,614,018 alleles (0.00025%); highest among the groups gnomAD compares: Non-Finnish European, 0.00034%; no homozygotes.

Submissions (2):

Labcorp Genetics (formerly Invitae), Labcorp
Classification: Uncertain significance for DICER1-related tumor predisposition. Last evaluated: 2023-10-24. Review status: criteria provided, single submitter. Criteria: Invitae Variant Classification Sherloc (09022015). Collection method: clinical testing. Allele origin: germline.
Comment: This sequence change replaces leucine, which is neutral and non-polar, with phenylalanine, which is neutral and non-polar, at codon 1178 of the DICER1 protein (p.Leu1178Phe). This variant is present in population databases (rs780952666, gnomAD 0.0009%). This variant has not been reported in the literature in individuals affected with DICER1-related conditions. ClinVar contains an entry for this variant (Variation ID: 477147). Advanced modeling of protein sequence and biophysical properties (such as structural, functional, and spatial information, amino acid conservation, physicochemical variation, residue mobility, and thermodynamic stability) performed at Invitae indicates that this missense variant is not expected to disrupt DICER1 protein function with a negative predictive value of 80%. In summary, the available evidence is currently insufficient to determine the role of this variant in disease. Therefore, it has been classified as a Variant of Uncertain Significance.

Ambry Genetics
Classification: Uncertain significance for Hereditary cancer-predisposing syndrome. Last evaluated: 2023-10-22. Review status: criteria provided, single submitter. Criteria: Ambry Variant Classification Scheme 2023. Collection method: clinical testing. Allele origin: germline.
Comment: The p.L1178F variant (also known as c.3532C>T), located in coding exon 20 of the DICER1 gene, results from a C to T substitution at nucleotide position 3532. The leucine at codon 1178 is replaced by phenylalanine, an amino acid with highly similar properties. This amino acid position is conserved. In addition, this alteration is predicted to be tolerated by in silico analysis. Since supporting evidence is limited at this time, the clinical significance of this alteration remains unclear.

NM_177438.3(DICER1):c.3532C>T (p.Leu1178Phe)

Gene: DICER1 (dicer 1, ribonuclease III; minus strand). Cytogenetic location: 14q32.13.
Variant type: single nucleotide variant.
Coding change: c.3532C>T on transcript NM_177438.3 (MANE Select); coding-DNA position 3532, C replaced by T.
Protein change: p.Leu1178Phe; replaces leucine 1178 with phenylalanine.
Molecular consequence: missense variant.
Genome position (GRCh38, 1-based): chr14:95,103,864, G>A on the plus strand (C>T on the coding strand, the complement: DICER1 is on the minus strand). VCF-style: chr14-95103864-G-A. GRCh37 (hg19) VCF-style: chr14-95570201-G-A.
Other names: c.3532C>T, p.Leu1178Phe (NM_001195573.1, NM_001271282.3, NM_001291628.2 and 1 more transcripts); short protein forms L1178F.
Identifiers: ClinVar variation 477147 (VCV000477147.9), dbSNP rs780952666, ClinGen allele CA7331028.